The following is an entry in ClinVar:

NM_004655.4(AXIN2):c.584T>C (p.Ile195Thr)

Gene: AXIN2 (axin 2; minus strand). Cytogenetic location: 17q24.1.
Variant type: single nucleotide variant.
Coding change: c.584T>C on transcript NM_004655.4 (MANE Select); coding-DNA position 584, T replaced by C.
Protein change: p.Ile195Thr; replaces isoleucine 195 with threonine.
Molecular consequence: missense variant.
Genome position (GRCh38, 1-based): chr17:65,558,037, A>G on the plus strand (T>C on the coding strand, the complement: AXIN2 is on the minus strand). VCF-style: chr17-65558037-A-G. GRCh37 (hg19) VCF-style: chr17-63554155-A-G.
Other names: c.584T>C, p.Ile195Thr (NM_001363813.1); short protein forms I195T.
Identifiers: ClinVar variation 834906 (VCV000834906.15), dbSNP rs775069864, ClinGen allele CA8719029.
Genomic context (GRCh38, chr17:65,558,037, plus strand): 5'-AGTCCCCCATTACTCATGTAAGCTGTGTTTTCTCCCCCACTCCTCACATATTCGAGGTAT[A>G]TATCAGAAGTCAAAAACATCTGGTAGGCATTTTCCTCCATCACCGACTGGATCTCGGTCT-3'
Protein context (NP_004646.3, residues 185-205): NAYQMFLTSD[Ile195Thr]YLEYVRSGGE

ClinVar aggregate classification (germline): Uncertain significance. Review status: criteria provided, multiple submitters, no conflicts (2 of 4 stars). 3 submissions from 3 submitters: Uncertain significance (3). Last evaluated 2025-10-02.

Conditions:
Hereditary cancer-predisposing syndrome. Also called: Neoplastic Syndromes, Hereditary; Hereditary neoplastic syndrome; Tumor predisposition; Hereditary Cancer Syndrome. Identifiers: Orphanet 140162, MedGen C0027672, MeSH D009386, MONDO:0015356.
Oligodontia-cancer predisposition syndrome. Also called: TOOTH AGENESIS-COLORECTAL CANCER SYNDROME. Identifiers: Orphanet 300576, MedGen C1837750, MONDO:0012075, OMIM 608615. Disease mechanism: loss of function.

Allele frequency attached by ClinVar (database versions not stated): gnomAD exomes below 0.00001 and 0.00001; TOPMed 0.00001; ExAC 0.00001.

Submissions (3):

Ambry Genetics
Classification: Uncertain significance for Hereditary cancer-predisposing syndrome. Last evaluated: 2025-10-02. Review status: criteria provided, single submitter. Criteria: Ambry Variant Classification Scheme 2023. Collection method: clinical testing. Allele origin: germline.
Comment: The p.I195T variant (also known as c.584T>C), located in coding exon 1 of the AXIN2 gene, results from a T to C substitution at nucleotide position 584. The isoleucine at codon 195 is replaced by threonine, an amino acid with similar properties. This amino acid position is well conserved in available vertebrate species. In addition, the in silico prediction for this alteration is inconclusive. Based on the available evidence, the clinical significance of this variant remains unclear.

Labcorp Genetics (formerly Invitae), Labcorp
Classification: Uncertain significance for Oligodontia-cancer predisposition syndrome. Last evaluated: 2024-12-02. Review status: criteria provided, single submitter. Criteria: Invitae Variant Classification Sherloc (09022015). Collection method: clinical testing. Allele origin: germline.
Comment: This sequence change replaces isoleucine, which is neutral and non-polar, with threonine, which is neutral and polar, at codon 195 of the AXIN2 protein (p.Ile195Thr). This variant is present in population databases (rs775069864, gnomAD 0.003%). This variant has not been reported in the literature in individuals affected with AXIN2-related conditions. ClinVar contains an entry for this variant (Variation ID: 834906). Invitae Evidence Modeling of protein sequence and biophysical properties (such as structural, functional, and spatial information, amino acid conservation, physicochemical variation, residue mobility, and thermodynamic stability) indicates that this missense variant is not expected to disrupt AXIN2 protein function with a negative predictive value of 80%. In summary, the available evidence is currently insufficient to determine the role of this variant in disease. Therefore, it has been classified as a Variant of Uncertain Significance.

Center of Excellence in Precision Medicine and Digital Health (CEPMDH), Faculty of Dentistry, Chulalongkorn University
Classification: Uncertain significance for Oligodontia-cancer predisposition syndrome. Review status: criteria provided, single submitter. Criteria: ACMG Guidelines, 2015. Collection method: clinical testing. Allele origin: germline. Inheritance: Autosomal dominant inheritance. Affected: yes. Observed: 1 variant allele, 1 heterozygote.
Comment: This variant is classified as uncertain significance by ACMG guideline. Fournier et al 2018 did a MEDLINE search and review mutations in tooth agenesis patients from 1986 to 2016 and found 5 articles reported patients with 8 heterozygous mutation in AXIN2. Five of them are missense variants in isolated oligodontia patients. In summary, the p.Ile195Thr variant is classified as VUS but it's possibly involved with the nonsyndromic hypodontia.